The following is an entry in ClinVar:

ClinVar aggregate classification (germline): Conflicting classifications of pathogenicity. Review status: criteria provided, conflicting classifications (1 of 4 stars). 10 submissions from 9 submitters: Uncertain significance (4); Likely benign (5). 1 of the submissions does not count toward it. Last evaluated 2025-09-10.

Conditions:
DCTN1-related disorder. Also called: DCTN1-related condition.
Inborn genetic diseases. Identifiers: MedGen C0950123, MeSH D030342.
Neuronopathy, distal hereditary motor, type 7B. Also called: NEURONOPATHY, DISTAL HEREDITARY MOTOR, AUTOSOMAL DOMINANT 14; NEURONOPATHY, DISTAL HEREDITARY MOTOR, HARDING TYPE VIIB; NEUROPATHY, DISTAL HEREDITARY MOTOR, HARDING TYPE VIIB; NEUROPATHY, DISTAL HEREDITARY MOTOR, WITH VOCAL CORD PARALYSIS, HARDING TYPE VIIB; Distal Hereditary Motor Neuronopathy Type 7B (dHMN7B); HMN VIIB. Identifiers: Orphanet 139589, MedGen C1843315, MONDO:0011879, OMIM 607641.
Perry syndrome. Also called: PARKINSONISM WITH ALVEOLAR HYPOVENTILATION AND MENTAL DEPRESSION. Identifiers: Orphanet 178509, MedGen C1868594, MONDO:0008201, OMIM 168605.
Amyotrophic lateral sclerosis type 1 (ALS1). Also called: AMYOTROPHIC LATERAL SCLEROSIS 1, FAMILIAL. Identifiers: Orphanet 803, MedGen C1862939, MONDO:0007103, OMIM 105400.
Parkinsonian disorder. Also called: Parkinsonism. Identifiers: MedGen C0242422, MONDO:0021095, HP:0001300.

Allele frequency attached by ClinVar (database versions not stated): TOPMed 0.00003; gnomAD 0.00004; gnomAD exomes 0.00004 and 0.00005; ExAC 0.00006; ESP Exome Variant Server 0.00008.
gnomAD v4.1: 80 of 1,613,724 alleles (0.005%); highest among the groups gnomAD compares: Non-Finnish European, 0.0048%; no homozygotes.

Submissions (10):

Labcorp Genetics (formerly Invitae), Labcorp
Classification: Uncertain significance for Amyotrophic lateral sclerosis type 1; Neuronopathy, distal hereditary motor, type 7B; Perry syndrome. Last evaluated: 2025-09-10. Review status: criteria provided, single submitter. Criteria: Invitae Variant Classification Sherloc (09022015). Collection method: clinical testing. Allele origin: germline.
Comment: This sequence change replaces arginine, which is basic and polar, with tryptophan, which is neutral and slightly polar, at codon 225 of the DCTN1 protein (p.Arg225Trp). This variant is present in population databases (rs371723224, gnomAD 0.02%). This missense change has been observed in individual(s) with dementia (PMID: 29525180). ClinVar contains an entry for this variant (Variation ID: 453052). Invitae Evidence Modeling of protein sequence and biophysical properties (such as structural, functional, and spatial information, amino acid conservation, physicochemical variation, residue mobility, and thermodynamic stability) indicates that this missense variant is not expected to disrupt DCTN1 protein function with a negative predictive value of 95%. In summary, the available evidence is currently insufficient to determine the role of this variant in disease. Therefore, it has been classified as a Variant of Uncertain Significance.

Women's Health and Genetics/Laboratory Corporation of America, LabCorp
Classification: Likely benign. Last evaluated: 2024-12-24. Review status: criteria provided, single submitter. Criteria: LabCorp Variant Classification Summary - May 2015. Collection method: clinical testing. Allele origin: germline.
Comment: Variant summary: DCTN1 c.673C>T (p.Arg225Trp) results in a non-conservative amino acid change in the encoded protein sequence. Four of five in-silico tools predict a damaging effect of the variant on protein function. The variant allele was found at a frequency of 4.4e-05 in 251290 control chromosomes. The observed variant frequency is approximately 44 fold of the estimated maximal expected allele frequency for a pathogenic variant in DCTN1 causing Neuronopathy, distal hereditary motor, type 7B phenotype (1e-06). To our knowledge, no experimental evidence demonstrating its impact on protein function have been reported. ClinVar contains an entry for this variant (Variation ID: 453052). Based on the evidence outlined above, the variant was classified as likely benign.

Blueprint Genetics
Classification: Uncertain significance. Last evaluated: 2024-10-16. Review status: criteria provided, single submitter. Criteria: ACMG Guidelines, 2015. Collection method: clinical testing. Allele origin: germline.

Ambry Genetics
Classification: Likely benign for Inborn genetic diseases. Last evaluated: 2021-11-02. Review status: criteria provided, single submitter. Criteria: Ambry Variant Classification Scheme 2023. Collection method: clinical testing. Allele origin: germline.

Genetics and Molecular Pathology, SA Pathology
Classification: Likely benign for Parkinsonian disorder. Last evaluated: 2020-01-17. Review status: criteria provided, single submitter. Criteria: ACMG Guidelines, 2015. Collection method: clinical testing. Allele origin: germline. Affected: yes.
Comment: The DCTN1 c.673C>T variant is classified as Likely Benign (BS4, PM2, PP3) This variant does not segregate with disease in this family (BS4).

Illumina Laboratory Services, Illumina
Classification: Likely benign for Neuronopathy, distal hereditary motor, type 7B. Last evaluated: 2018-01-12. Review status: criteria provided, single submitter. Criteria: ICSL Variant Classification Criteria 13 December 2019. Collection method: clinical testing. Allele origin: germline.
Comment: This variant was observed in the ICSL laboratory as part of a predisposition screen in an ostensibly healthy population. It had not been previously curated by ICSL or reported in the Human Gene Mutation Database (HGMD: prior to June 1st, 2018), and was therefore a candidate for classification through an automated scoring system. Utilizing variant allele frequency, disease prevalence and penetrance estimates, and inheritance mode, an automated score was calculated to assess if this variant is too frequent to cause the disease. Based on the score and internal cut-off values, a variant classified as likely benign is not then subjected to further curation. The score for this variant resulted in a classification of likely benign for this disease.

Illumina Laboratory Services, Illumina
Classification: Likely benign for Perry syndrome. Last evaluated: 2018-01-12. Review status: criteria provided, single submitter. Criteria: ICSL Variant Classification Criteria 13 December 2019. Collection method: clinical testing. Allele origin: germline.
Comment: the same text as in the submission from Illumina Laboratory Services, Illumina above.

ARUP Laboratories, Molecular Genetics and Genomics, ARUP Laboratories
Classification: Uncertain significance. Last evaluated: 2017-11-21. Review status: criteria provided, single submitter. Criteria: ARUP Molecular Germline Variant Investigation Process. Collection method: clinical testing. Allele origin: germline.
Comment: The p.Arg225Trp variant (rs371723224) has not been reported in the medical literature, nor is it listed in gene-specific variant databases. The p.Arg225Trp variant is listed in the Genome Aggregation Database (gnomAD) browser with an overall allele frequency of 0.004% (identified in 10 out of 246,064 chromosomes). The arginine at codon 225 is highly conserved considering 10 species up to opossum (Alamut software v2.10.0), but computational analyses predict conflicting effects of this variant on protein structure/function (SIFT: damaging, PolyPhen2: benign). Therefore, based on the available information, the clinical significance of the p.Arg225Trp variant cannot be determined with certainty.

GeneDx
Classification: Uncertain significance. Last evaluated: 2017-10-23. Review status: criteria provided, single submitter. Criteria: GeneDx Variant Classification (06012015). Collection method: clinical testing. Allele origin: germline. Affected: yes.
Comment: The R225W variant in the DCTN1 gene has not been reported previously as a pathogenic variant, nor as a benign variant, to our knowledge. The variant is observed in 2/9848 (0.02%) alleles from individuals of Ashkenazi Jewish background in large population cohorts (Lek et al., 2016). The variant is a non-conservative amino acid substitution, which is likely to impact secondary protein structure as these residues differ in polarity, charge, size and/or other properties. This substitution occurs at a position where amino acids with similar properties to Arginine are tolerated across species. In silico analysis predicts this variant is probably damaging to the protein structure/function. We interpret R225W as a variant of uncertain significance.

PreventionGenetics, part of Exact Sciences
Classification: Uncertain significance for DCTN1-related condition. Last evaluated: 2023-11-09. Review status: no assertion criteria provided. Collection method: clinical testing. Allele origin: germline. Not counted in ClinVar's aggregate classification.
Comment: The DCTN1 c.673C>T variant is predicted to result in the amino acid substitution p.Arg225Trp. This variant was reported in an individual with a behavioral variant of frontotemporal dementia (Bartoletti-Stella et al 2018. PubMed ID: 29525180, Table 3). This variant is reported in 0.020% of alleles in individuals of Ashkenazi Jewish descent in gnomAD. At this time, the clinical significance of this variant is uncertain due to the absence of conclusive functional and genetic evidence.

Literature cited by the submitters: PubMed 29525180 (cited by Labcorp Genetics (formerly Invitae), Labcorp and Ambry Genetics); PubMed 28518168 (cited by Ambry Genetics); PubMed 32461654 (cited by Ambry Genetics).

NM_004082.5(DCTN1):c.673C>T (p.Arg225Trp)

Gene: DCTN1 (dynactin subunit 1; minus strand). Cytogenetic location: 2p13.1.
Variant type: single nucleotide variant.
Coding change: c.673C>T on transcript NM_004082.5 (MANE Select); coding-DNA position 673, C replaced by T.
Protein change: p.Arg225Trp; replaces arginine 225 with tryptophan.
Molecular consequence: missense variant. On other transcripts: non-coding transcript variant (1).
Genome position (GRCh38, 1-based): chr2:74,371,149, G>A on the plus strand (C>T on the coding strand, the complement: DCTN1 is on the minus strand). VCF-style: chr2-74371149-G-A. GRCh37 (hg19) VCF-style: chr2-74598276-G-A.
Other names: c.613C>T, p.Arg205Trp (NM_001135040.3); c.271C>T, p.Arg91Trp (NM_001135041.3, NM_023019.4); c.562C>T, p.Arg188Trp (NM_001190836.2); c.652C>T, p.Arg218Trp (NM_001190837.2); c.622C>T, p.Arg208Trp (NM_001378991.1); c.604C>T, p.Arg202Trp (NM_001378992.1); short protein forms R188W, R225W, R91W, R205W, R218W, R202W, R208W.
Identifiers: ClinVar variation 453052 (VCV000453052.29), dbSNP rs371723224, ClinGen allele CA1722338.